The following is an entry in ClinVar:

NM_001267550.2(TTN):c.8919C>G (p.Ser2973=)

Gene: TTN (titin; minus strand). Cytogenetic location: 2q31.2.
Variant type: single nucleotide variant.
Coding change: c.8919C>G on transcript NM_001267550.2 (MANE Select); coding-DNA position 8919, C replaced by G.
Protein change: p.Ser2973=; no amino-acid change (serine 2973 retained).
Molecular consequence: synonymous variant.
Genome position (GRCh38, 1-based): chr2:178,768,917, G>C on the plus strand (C>G on the coding strand, the complement: TTN is on the minus strand). VCF-style: chr2-178768917-G-C. GRCh37 (hg19) VCF-style: chr2-179633644-G-C.
Other names: p.S2973S:TCC>TCG; p.Ser2973=; c.8919C>G, p.Ser2973= (NM_001256850.1, NM_133378.4, NM_133379.5); c.8781C>G, p.Ser2927= (NM_003319.4, NM_133432.3, NM_133437.4).
Identifiers: ClinVar variation 47571 (VCV000047571.36), dbSNP rs4894045, ClinGen allele CA284140.

ClinVar aggregate classification (germline): Benign. Review status: criteria provided, multiple submitters, no conflicts (2 of 4 stars). 24 submissions from 17 submitters: Benign (19). 5 of the submissions do not count toward it. Last evaluated 2026-02-04.

Conditions:
Cardiovascular phenotype. Identifiers: MedGen CN230736.
Dilated cardiomyopathy 1G (CMD1G). Identifiers: Orphanet 154, MedGen C1858763, MONDO:0011400, OMIM 604145.
Autosomal recessive limb-girdle muscular dystrophy type 2J (LGMDR10). Also called: Limb-girdle muscular dystrophy, type 2J; MUSCULAR DYSTROPHY, LIMB-GIRDLE, AUTOSOMAL RECESSIVE 10. Identifiers: Orphanet 140922, MedGen C1837342, MONDO:0012127, OMIM 608807.
Early-onset myopathy with fatal cardiomyopathy (CMYO5). Also called: CONGENITAL MYOPATHY 5 WITH CARDIOMYOPATHY; Salih Myopathy. Identifiers: Orphanet 289377, MedGen C2673677, MONDO:0012714, OMIM 611705. Disease mechanism: loss of function.
Myopathy, myofibrillar, 9, with early respiratory failure (MFM9). Also called: MYOPATHY, PROXIMAL, WITH EARLY RESPIRATORY MUSCLE INVOLVEMENT; Myopathy, distal, with early respiratory failure, autosomal dominant; Hereditary myopathy with early respiratory failure; EDSTROM MYOPATHY. Identifiers: Orphanet 178464, Orphanet 34521, MedGen C1863599, MONDO:0011362, OMIM 603689.
Tibial muscular dystrophy (TMD). Also called: Tibial muscular dystrophy, tardive; UDD MYOPATHY; Udd Distal Myopathy – Tibial Muscular Dystrophy. Identifiers: Orphanet 609, MedGen C1838244, MONDO:0010870, OMIM 600334.

Allele frequency attached by ClinVar (database versions not stated): gnomAD exomes 0.03840 and 0.07041; ESP Exome Variant Server 0.03883; gnomAD 0.05021 and 0.05415; TOPMed 0.05647; ExAC 0.06599; 1000 Genomes Project 30x 0.08557; 1000 Genomes Project 0.08666.
gnomAD v4.1: 64,543 of 1,613,666 alleles (4%); highest among the groups gnomAD compares: Admixed American, 17%; 3,048 homozygotes.

Submissions (24):

Labcorp Genetics (formerly Invitae), Labcorp
Classification: Benign for Dilated cardiomyopathy 1G; Autosomal recessive limb-girdle muscular dystrophy type 2J. Last evaluated: 2026-02-04. Review status: criteria provided, single submitter. Criteria: Invitae Variant Classification Sherloc (09022015). Collection method: clinical testing. Allele origin: germline.

Molecular Diagnostic Laboratory for Inherited Cardiovascular Disease, Montreal Heart Institute
Classification: Benign. Last evaluated: 2025-04-09. Review status: criteria provided, single submitter. Criteria: ACMG Guidelines, 2015. Collection method: clinical testing. Allele origin: germline. Affected: no.

Genome-Nilou Lab
Classification: Benign for Autosomal recessive limb-girdle muscular dystrophy type 2J. Last evaluated: 2021-09-10. Review status: criteria provided, single submitter. Criteria: ACMG Guidelines, 2015. Collection method: clinical testing. Allele origin: germline. Affected: no.

Genome-Nilou Lab
Classification: Benign for Myopathy, myofibrillar, 9, with early respiratory failure. Last evaluated: 2021-09-10. Review status: criteria provided, single submitter. Criteria: ACMG Guidelines, 2015. Collection method: clinical testing. Allele origin: germline. Affected: no.

Genome-Nilou Lab
Classification: Benign for Early-onset myopathy with fatal cardiomyopathy. Last evaluated: 2021-09-10. Review status: criteria provided, single submitter. Criteria: ACMG Guidelines, 2015. Collection method: clinical testing. Allele origin: germline. Affected: no.

Genome-Nilou Lab
Classification: Benign for Tibial muscular dystrophy. Last evaluated: 2021-09-10. Review status: criteria provided, single submitter. Criteria: ACMG Guidelines, 2015. Collection method: clinical testing. Allele origin: germline. Affected: no.

Women's Health and Genetics/Laboratory Corporation of America, LabCorp
Classification: Benign. Last evaluated: 2019-08-19. Review status: criteria provided, single submitter. Criteria: LabCorp Variant Classification Summary - May 2015. Collection method: clinical testing. Allele origin: germline.

Athena Diagnostics
Classification: Benign. Last evaluated: 2018-06-18. Review status: criteria provided, single submitter. Criteria: Athena Diagnostics Criteria. Collection method: clinical testing. Allele origin: germline.

Illumina Laboratory Services, Illumina
Classification: Benign for Early-onset myopathy with fatal cardiomyopathy. Last evaluated: 2018-01-13. Review status: criteria provided, single submitter. Criteria: ICSL Variant Classification Criteria 13 December 2019. Collection method: clinical testing. Allele origin: germline.
Comment: This variant was observed in the ICSL laboratory as part of a predisposition screen in an ostensibly healthy population. It had not been previously curated by ICSL or reported in the Human Gene Mutation Database (HGMD: prior to June 1st, 2018), and was therefore a candidate for classification through an automated scoring system. Utilizing variant allele frequency, disease prevalence and penetrance estimates, and inheritance mode, an automated score was calculated to assess if this variant is too frequent to cause the disease. Based on the score and internal cut-off values, a variant classified as benign is not then subjected to further curation. The score for this variant resulted in a classification of benign for this disease.

Illumina Laboratory Services, Illumina
Classification: Benign for Dilated cardiomyopathy 1G. Last evaluated: 2018-01-13. Review status: criteria provided, single submitter. Criteria: ICSL Variant Classification Criteria 13 December 2019. Collection method: clinical testing. Allele origin: germline.
Comment: the same text as in the submission from Illumina Laboratory Services, Illumina above.

Illumina Laboratory Services, Illumina
Classification: Benign for Tibial muscular dystrophy. Last evaluated: 2018-01-13. Review status: criteria provided, single submitter. Criteria: ICSL Variant Classification Criteria 13 December 2019. Collection method: clinical testing. Allele origin: germline.
Comment: the same text as in the submission from Illumina Laboratory Services, Illumina above.

Illumina Laboratory Services, Illumina
Classification: Benign for Autosomal recessive limb-girdle muscular dystrophy type 2J. Last evaluated: 2018-01-13. Review status: criteria provided, single submitter. Criteria: ICSL Variant Classification Criteria 13 December 2019. Collection method: clinical testing. Allele origin: germline.
Comment: the same text as in the submission from Illumina Laboratory Services, Illumina above.

Illumina Laboratory Services, Illumina
Classification: Benign for Myopathy, myofibrillar, 9, with early respiratory failure. Last evaluated: 2018-01-13. Review status: criteria provided, single submitter. Criteria: ICSL Variant Classification Criteria 13 December 2019. Collection method: clinical testing. Allele origin: germline.
Comment: the same text as in the submission from Illumina Laboratory Services, Illumina above.

Mayo Clinic Laboratories, Mayo Clinic
Classification: Benign. Last evaluated: 2017-08-24. Review status: criteria provided, single submitter. Criteria: ACMG Guidelines, 2015. Collection method: clinical testing. Allele origin: germline. Observed: 210 variant alleles.

Ambry Genetics
Classification: Benign for Cardiovascular phenotype. Last evaluated: 2012-11-16. Review status: criteria provided, single submitter. Criteria: Ambry Autosomal Dominant and X-Linked criteria (10/2015). Collection method: clinical testing. Allele origin: germline. Observed: 1 variant allele.

GeneDx
Classification: Benign. Last evaluated: 2012-10-26. Review status: criteria provided, single submitter. Criteria: GeneDx Variant Classification (06012015). Collection method: clinical testing. Allele origin: germline. Affected: yes.
Comment: This variant is considered likely benign or benign based on one or more of the following criteria: it is a conservative change, it occurs at a poorly conserved position in the protein, it is predicted to be benign by multiple in silico algorithms, and/or has population frequency not consistent with disease.

Laboratory for Molecular Medicine, Mass General Brigham Personalized Medicine
Classification: Benign. Last evaluated: 2012-04-20. Review status: criteria provided, single submitter. Criteria: LMM Criteria. Collection method: clinical testing. Allele origin: germline. Observed: 174 variant alleles.
Comment: Ser2973Ser in exon 38 of TTN: This variant is not expected to have clinical sign ificance because it does not alter an amino acid residue and is not located with in the splice consensus sequence. It has been identified in 7.5% of African Amer ican chromosomes from a broad population by NHLBI Exome Sequencing Project (rs4894045).

Breakthrough Genomics
Classification: Benign. Review status: criteria provided, single submitter. Criteria: ACMG Guidelines, 2015. Collection method: not provided. Allele origin: germline. Inheritance: Autosomal recessive inheritance. Affected: yes.

PreventionGenetics, part of Exact Sciences
Classification: Benign. Review status: criteria provided, single submitter. Criteria: ACMG Guidelines, 2015. Collection method: clinical testing. Allele origin: germline.

Clinical Genetics DNA and cytogenetics Diagnostics Lab, Erasmus MC, Erasmus Medical Center
Classification: Benign. Review status: no assertion criteria provided. Collection method: clinical testing. Allele origin: germline. Affected: yes. Study: VKGL Data-share Consensus. Not counted in ClinVar's aggregate classification.

Clinical Genetics, Academic Medical Center
Classification: Benign. Review status: no assertion criteria provided. Collection method: clinical testing. Allele origin: germline. Affected: yes. Study: VKGL Data-share Consensus. Not counted in ClinVar's aggregate classification.

Genetic Services Laboratory, University of Chicago
Classification: Likely benign for AllHighlyPenetrant. Review status: no assertion criteria provided. Collection method: clinical testing. Allele origin: germline. Not counted in ClinVar's aggregate classification.
Comment: Likely benign based on allele frequency in 1000 Genomes Project or ESP global frequency and its presence in a patient with a rare or unrelated disease phenotype. NOT Sanger confirmed.

Genome Diagnostics Laboratory, University Medical Center Utrecht
Classification: Benign. Review status: no assertion criteria provided. Collection method: clinical testing. Allele origin: germline. Affected: yes. Study: VKGL Data-share Consensus. Not counted in ClinVar's aggregate classification.

Joint Genome Diagnostic Labs from Nijmegen and Maastricht, Radboudumc and MUMC+
Classification: Benign. Review status: no assertion criteria provided. Collection method: clinical testing. Allele origin: germline. Affected: yes. Study: VKGL Data-share Consensus. Not counted in ClinVar's aggregate classification.